The following is an entry in ClinVar:

ClinVar aggregate classification (germline): Pathogenic (1 of 4 stars; one submission).

Conditions:
Myoclonic dystonia 26. Identifiers: MedGen C4225341, MONDO:0014620, OMIM 616398.

Submission:

Labcorp Genetics (formerly Invitae), Labcorp
Classification: Pathogenic for Myoclonic dystonia 26. Last evaluated: 2024-02-20. Review status: criteria provided, single submitter. Criteria: Invitae Variant Classification Sherloc (09022015). Collection method: clinical testing. Allele origin: germline.
Comment: This sequence change creates a premature translational stop signal (p.Val190Glyfs*64) in the KCTD17 gene. It is expected to result in an absent or disrupted protein product. Loss-of-function variants in KCTD17 are known to be pathogenic (PMID: 25983243, 30579817). This variant is not present in population databases (gnomAD no frequency). This premature translational stop signal has been observed in individual(s) with dystonia (Invitae). For these reasons, this variant has been classified as Pathogenic.

Literature cited by the submitters: PubMed 25983243; PubMed 30579817.

NM_001282684.2(KCTD17):c.547dup (p.Val183fs)

Gene: KCTD17 (potassium channel tetramerization domain containing 17; plus strand). Cytogenetic location: 22q12.3.
Variant type: Duplication.
Coding change: c.547dup on transcript NM_001282684.2 (MANE Select); coding-DNA position 547, one base duplicated (G; older notation c.547dupG).
Protein change: p.Val183fs; shifts the reading frame from valine 183.
Molecular consequence: frameshift variant.
Genome position (GRCh38, 1-based): chr22:37,059,373, G duplicated. VCF-style (leftmost placement, unchanged base first): chr22-37059372-T-TG. GRCh37 (hg19) VCF-style: chr22-37455412-T-TG.
Other names: c.547dup, p.Val183fs (NM_001282685.2, NM_001282686.2, NM_024681.4); short protein forms V183fs.
Identifiers: ClinVar variation 2765450 (VCV002765450.3), dbSNP rs2517693712, ClinGen allele CA2697552734.